The following is an entry in ClinVar:

ClinVar aggregate classification (germline): Uncertain significance (1 of 4 stars; one submission).

Conditions:
MFSD2A-related disorder. Also called: MFSD2A-related condition.

Submission:

PreventionGenetics, part of Exact Sciences
Classification: Uncertain significance for MFSD2A-related condition. Last evaluated: 2026-04-14. Review status: criteria provided, single submitter. Criteria: ACMG Guidelines, 2015. Collection method: clinical testing. Allele origin: germline.
Comment: The MFSD2A c.560C>G variant is predicted to result in the amino acid substitution p.Thr187Ser. To our knowledge, this variant has not been reported in the literature or in a large population database (gnomAD), indicating this variant is rare. At this time, the clinical significance of this variant is uncertain due to the absence of conclusive functional and genetic evidence.

NM_032793.5(MFSD2A):c.521C>G (p.Thr174Ser)

Gene: MFSD2A (MFSD2 lysolipid transporter A, lysophospholipid; plus strand). Cytogenetic location: 1p34.2.
Variant type: single nucleotide variant.
Coding change: c.521C>G on transcript NM_032793.5 (MANE Select); coding-DNA position 521, C replaced by G.
Protein change: p.Thr174Ser; replaces threonine 174 with serine.
Molecular consequence: missense variant. On other transcripts: non-coding transcript variant (1).
Genome position (GRCh38, 1-based): chr1:39,965,514, C>G. VCF-style: chr1-39965514-C-G. GRCh37 (hg19) VCF-style: chr1-40431186-C-G.
Other names: c.560C>G, p.Thr187Ser (NM_001136493.3); c.53C>G, p.Thr18Ser (NM_001287808.2); c.410C>G, p.Thr137Ser (NM_001287809.2); c.515C>G, p.Thr172Ser (NM_001349821.2); c.521C>G, p.Thr174Ser (NM_001349822.2); c.176C>G, p.Thr59Ser (NM_001349823.2); short protein forms T137S, T18S, T172S, T174S, T187S, T59S.
Identifiers: ClinVar variation 4978146 (VCV004978146.1).
Genomic context (GRCh38, chr1:39,965,514, plus strand): 5'-CCTGTCTTCTATGCCAGTGTTTCCATGTTCCCTACTCGGCTCTCACCATGTTCATCAGCA[C>G]CGAGCAGACTGAGCGGGATTCTGCCACCGCCTATCGTGAGTCTCCCCAGCCCACCTGACC-3'
Protein context (NP_116182.2, residues 164-184): PYSALTMFIS[Thr174Ser]EQTERDSATA